The following is an entry in ClinVar:

ClinVar aggregate classification (germline): Pathogenic. Review status: criteria provided, multiple submitters, no conflicts (2 of 4 stars). 3 submissions from 3 submitters: Pathogenic (3). Last evaluated 2019-07-01.

Conditions:
DICER1-related tumor predisposition. Also called: DICER1 syndrome; DICER1-related pleuropulmonary blastoma cancer predisposition syndrome. Identifiers: Orphanet 284343, MedGen C3839822, MONDO:0100216.
Hereditary cancer-predisposing syndrome. Also called: Tumor predisposition; Hereditary Cancer Syndrome; Neoplastic Syndromes, Hereditary; Hereditary neoplastic syndrome. Identifiers: Orphanet 140162, MedGen C0027672, MeSH D009386, MONDO:0015356.

Submissions (3):

Foulkes Cancer Genetics LDI, Lady Davis Institute for Medical Research
Classification: Pathogenic for Pleuropulmonary blastoma. Last evaluated: 2019-07-01. Review status: criteria provided, single submitter. Criteria: ACMG Guidelines, 2015. Collection method: curation. Allele origin: germline. Affected: yes. Observed: 1 variant allele.
Comment: ACMG criteria met: PVS1, PM2, PP4

International Pleuropulmonary Blastoma Registry, Children's Hospitals and Clinics of Minnesota
Classification: Pathogenic for Pleuropulmonary blastoma. Last evaluated: 2014-11-10. Review status: criteria provided, single submitter. Criteria: Hill et al. (Science. 2009). Collection method: clinical testing. Allele origin: germline. Affected: yes. Study: PPB-DICER1 Genetic study.

Ambry Genetics
Classification: Pathogenic for Hereditary cancer-predisposing syndrome. Last evaluated: 2012-12-26. Review status: criteria provided, single submitter. Criteria: Ambry Autosomal Dominant and X-Linked criteria (10/2015). Collection method: clinical testing. Allele origin: germline. Observed: 1 variant allele.
Comment: This alteration is expected to result in loss of function by premature protein truncation or nonsense-mediatedâ€¯mRNAâ€¯decay.â€¯As such, this alteration is interpreted as a disease-causing mutation.

Literature cited by the submitters: PubMed 26925222 (cited by Foulkes Cancer Genetics LDI, Lady Davis Institute for Medical Research and International Pleuropulmonary Blastoma Registry, Children's Hospitals and Clinics of Minnesota).

NM_177438.3(DICER1):c.1827_1828insAG (p.Val610fs)

Gene: DICER1 (dicer 1, ribonuclease III; minus strand). Cytogenetic location: 14q32.13.
Variant type: Insertion.
Coding change: c.1827_1828insAG on transcript NM_177438.3 (MANE Select); coding-DNA positions 1827 to 1828, AG inserted.
Protein change: p.Val610fs; shifts the reading frame from valine 610.
Molecular consequence: frameshift variant.
Genome position: GRCh38 VCF-style: chr14-95115746-C-CCT. GRCh37 (hg19) VCF-style: chr14-95582083-C-CCT.
Other names: c.1827_1828insAG, p.Val610fs (NM_001195573.1, NM_001271282.3, NM_001291628.2 and 1 more transcripts); short protein forms V610fs.
Identifiers: ClinVar variation 254296 (VCV000254296.6), dbSNP rs886037679, ClinGen allele CA10586450.